The following is an entry in ClinVar:

NM_170601.5(SIAE):c.1375G>A (p.Val459Ile)

Gene: SIAE (sialic acid acetylesterase; minus strand). Cytogenetic location: 11q24.2.
Variant type: single nucleotide variant.
Coding change: c.1375G>A on transcript NM_170601.5 (MANE Select); coding-DNA position 1375, G replaced by A.
Protein change: p.Val459Ile; replaces valine 459 with isoleucine.
Molecular consequence: missense variant.
Genome position (GRCh38, 1-based): chr11:124,637,148, C>T on the plus strand (G>A on the coding strand, the complement: SIAE is on the minus strand). VCF-style: chr11-124637148-C-T. GRCh37 (hg19) VCF-style: chr11-124507044-C-T.
Other names: c.1270G>A, p.Val424Ile (NM_001199922.2); short protein forms V424I, V459I.
Identifiers: ClinVar variation 1391078 (VCV001391078.6), dbSNP rs188195886, ClinGen allele CA6341188.
Genomic context (GRCh38, chr11:124,637,148, plus strand): 5'-GGAGAGCAACCACAGTGCCATGACAAGAATCGATCGCCAGGGTCAGGGACTGGGTGGAGA[C>T]GGTGTTCATAGAAGCTGGAAGCCACTTGCATCGATGGTCACTGCAACAGGAGATCTAATA-3'
Protein context (NP_733746.1, residues 449-469): CKWLPASMNT[Val459Ile]STQSLTLAID

ClinVar aggregate classification (germline): Uncertain significance (1 of 4 stars; one submission).

Allele frequency attached by ClinVar (database versions not stated): 1000 Genomes Project 30x 0.00031; 1000 Genomes Project 0.00040.
gnomAD v4.1: 86 of 1,614,072 alleles (0.0053%); highest among the groups gnomAD compares: Middle Eastern, 0.016%; no homozygotes.

Submission:

Labcorp Genetics (formerly Invitae), Labcorp
Classification: Uncertain significance. Last evaluated: 2026-02-01. Review status: criteria provided, single submitter. Criteria: Invitae Variant Classification Sherloc (09022015). Collection method: clinical testing. Allele origin: germline.
Comment: This sequence change replaces valine, which is neutral and non-polar, with isoleucine, which is neutral and non-polar, at codon 459 of the SIAE protein (p.Val459Ile). This variant is present in population databases (rs188195886, gnomAD 0.02%). This variant has not been reported in the literature in individuals affected with SIAE-related conditions. ClinVar contains an entry for this variant (Variation ID: 1391078). An algorithm developed to predict the effect of missense changes on protein structure and function (PolyPhen-2) suggests that this variant is likely to be tolerated. In summary, the available evidence is currently insufficient to determine the role of this variant in disease. Therefore, it has been classified as a Variant of Uncertain Significance.